The following is an entry in ClinVar:

NM_002473.6(MYH9):c.333+61G>C

Gene: MYH9 (myosin heavy chain 9; minus strand). Cytogenetic location: 22q12.3.
Variant type: single nucleotide variant.
Coding change: c.333+61G>C on transcript NM_002473.6 (MANE Select); 61 bases into the intron after coding-DNA position 333, G replaced by C.
Molecular consequence: intron variant.
Genome position (GRCh38, 1-based): chr22:36,348,843, C>G on the plus strand (G>C on the coding strand, the complement: MYH9 is on the minus strand). VCF-style: chr22-36348843-C-G. GRCh37 (hg19) VCF-style: chr22-36744888-C-G.
Identifiers: ClinVar variation 1281909 (VCV001281909.4), dbSNP rs56084634, ClinGen allele CA14951116.

ClinVar aggregate classification (germline): Benign. Review status: criteria provided, multiple submitters, no conflicts (2 of 4 stars). 3 submissions from 3 submitters: Benign (3). Last evaluated 2024-07-15.

Submissions (3):

Unidad de Genómica Garrahan, Hospital de Pediatría Garrahan
Classification: Benign. Last evaluated: 2024-07-15. Review status: criteria provided, single submitter. Criteria: ACMG Guidelines, 2015. Collection method: clinical testing. Allele origin: germline. Affected: no. Observed: 54 variant alleles.
Comment: This variant is classified as Benign based on local population frequency. This variant was detected in 58% of patients studied in a panel designed for Epileptic and Developmental Encephalopathy and Progressive Myoclonus Epilepsy. Number of patients: 54. Only high quality variants are reported.

GeneDx
Classification: Benign. Last evaluated: 2021-04-08. Review status: criteria provided, single submitter. Criteria: GeneDx Variant Classification Process June 2021. Collection method: clinical testing. Allele origin: germline. Affected: yes.

Breakthrough Genomics
Classification: Benign. Review status: criteria provided, single submitter. Criteria: ACMG Guidelines, 2015. Collection method: not provided. Allele origin: germline. Inheritance: Autosomal dominant inheritance. Affected: yes.